The following is an entry in ClinVar:

NM_015047.3(EMC1):c.2461G>A (p.Ala821Thr)

Genes: EMC1 (ER membrane protein complex subunit 1; minus strand), EMC1-AS1 (EMC1 antisense RNA 1; plus strand). Cytogenetic location: 1p36.13.
Variant type: single nucleotide variant.
Coding change: c.2461G>A on transcript NM_015047.3 (MANE Select); coding-DNA position 2461, G replaced by A.
Protein change: p.Ala821Thr; replaces alanine 821 with threonine.
Molecular consequence: missense variant.
Genome position (GRCh38, 1-based): chr1:19,222,750, C>T on the plus strand (G>A on the coding strand, the complement: EMC1 is on the minus strand). VCF-style: chr1-19222750-C-T. GRCh37 (hg19) VCF-style: chr1-19549244-C-T.
Other names: c.2458G>A, p.Ala820Thr (NM_001271427.2, NM_001271428.2); c.2395G>A, p.Ala799Thr (NM_001271429.2); c.2470G>A, p.Ala824Thr (NM_001375820.1); c.2467G>A, p.Ala823Thr (NM_001375821.1); short protein forms A799T, A823T, A824T, A821T, A820T.
Identifiers: ClinVar variation 1944355 (VCV001944355.5), dbSNP rs1296201536, ClinGen allele CA338754367.

ClinVar aggregate classification (germline): Uncertain significance (1 of 4 stars; one submission).

gnomAD v4.1: 3 of 1,614,130 alleles (0.00019%); highest among the groups gnomAD compares: African/African-American, 0.0013%; no homozygotes.

Submission:

Labcorp Genetics (formerly Invitae), Labcorp
Classification: Uncertain significance. Last evaluated: 2024-07-29. Review status: criteria provided, single submitter. Criteria: Invitae Variant Classification Sherloc (09022015). Collection method: clinical testing. Allele origin: germline.
Comment: This sequence change replaces alanine, which is neutral and non-polar, with threonine, which is neutral and polar, at codon 821 of the EMC1 protein (p.Ala821Thr). This variant is present in population databases (no rsID available, gnomAD 0.0009%). This variant has not been reported in the literature in individuals affected with EMC1-related conditions. ClinVar contains an entry for this variant (Variation ID: 1944355). Advanced modeling of protein sequence and biophysical properties (such as structural, functional, and spatial information, amino acid conservation, physicochemical variation, residue mobility, and thermodynamic stability) performed at Invitae indicates that this missense variant is not expected to disrupt EMC1 protein function with a negative predictive value of 80%. In summary, the available evidence is currently insufficient to determine the role of this variant in disease. Therefore, it has been classified as a Variant of Uncertain Significance.